The following is an entry in ClinVar:

ClinVar aggregate classification (germline): Uncertain significance (1 of 4 stars; one submission).

Conditions:
Immunodeficiency, common variable, 7. Identifiers: Orphanet 1572, Orphanet 696894, MedGen C3542922, MONDO:0013862, OMIM 614699.

Allele frequency attached by ClinVar (database versions not stated): gnomAD exomes 0.00001 and 0.00004; gnomAD 0.00017 and 0.00016; TOPMed 0.00016; ExAC 0.00004; ESP Exome Variant Server 0.00015.
gnomAD v4.1: 41 of 1,613,994 alleles (0.0025%); highest among the groups gnomAD compares: African/African-American, 0.052%; no homozygotes.

Submission:

Labcorp Genetics (formerly Invitae), Labcorp
Classification: Uncertain significance for Immunodeficiency, common variable, 7. Last evaluated: 2022-08-19. Review status: criteria provided, single submitter. Criteria: Invitae Variant Classification Sherloc (09022015). Collection method: clinical testing. Allele origin: germline.
Comment: This sequence change replaces phenylalanine, which is neutral and non-polar, with leucine, which is neutral and non-polar, at codon 377 of the CR2 protein (p.Phe377Leu). This variant is present in population databases (rs34962578, gnomAD 0.06%). This variant has not been reported in the literature in individuals affected with CR2-related conditions. ClinVar contains an entry for this variant (Variation ID: 1053354). Algorithms developed to predict the effect of missense changes on protein structure and function output the following: SIFT: "Tolerated"; PolyPhen-2: "Benign"; Align-GVGD: "Class C0". The leucine amino acid residue is found in multiple mammalian species, which suggests that this missense change does not adversely affect protein function. In summary, the available evidence is currently insufficient to determine the role of this variant in disease. Therefore, it has been classified as a Variant of Uncertain Significance.

NM_001006658.3(CR2):c.1129T>C (p.Phe377Leu)

Genes: CR2 (complement C3d receptor 2; plus strand), LOC126805994 (BRD4-independent group 4 enhancer GRCh37_chr1:207642622-207643821; plus strand). Cytogenetic location: 1q32.2.
Variant type: single nucleotide variant.
Coding change: c.1129T>C on transcript NM_001006658.3 (MANE Select); coding-DNA position 1129, T replaced by C.
Protein change: p.Phe377Leu; replaces phenylalanine 377 with leucine.
Molecular consequence: missense variant.
Genome position (GRCh38, 1-based): chr1:207,470,006, T>C. VCF-style: chr1-207470006-T-C. GRCh37 (hg19) VCF-style: chr1-207643351-T-C.
Other names: c.1129T>C, p.Phe377Leu (NM_001877.5); short protein forms F377L.
Identifiers: ClinVar variation 1053354 (VCV001053354.4), dbSNP rs34962578, ClinGen allele CA1368633.